The following is an entry in ClinVar:

ClinVar aggregate classification (germline): Pathogenic. Review status: criteria provided, multiple submitters, no conflicts (2 of 4 stars). 5 submissions from 5 submitters: Pathogenic (4). 1 of the submissions does not count toward it. Last evaluated 2024-03-19.

Conditions:
PNPO-related disorder. Also called: PNPO-related disorders; PNPO-related condition.
Pyridoxal phosphate-responsive seizures (PNPOD). Also called: Pyridoxamine 5-Prime-Phosphate Oxidase Deficiency; Pyridoxine-5'-phosphate oxidase deficiency; EPILEPTIC ENCEPHALOPATHY, NEONATAL, PNPO-RELATED; SEIZURES, PYRIDOXINE-RESISTANT, PLP-SENSITIVE; Pyridoxal 5'-Phosphate (PLP)-Dependent Epilepsy. Identifiers: Orphanet 79096, MedGen C1864723, MONDO:0012407, OMIM 610090. Disease mechanism: loss of function.

Submissions (5):

Labcorp Genetics (formerly Invitae), Labcorp
Classification: Pathogenic for Pyridoxal phosphate-responsive seizures. Last evaluated: 2024-03-19. Review status: criteria provided, single submitter. Criteria: Invitae Variant Classification Sherloc (09022015). Collection method: clinical testing. Allele origin: germline.
Comment: This sequence change creates a premature translational stop signal (p.Pro150Argfs*27) in the PNPO gene. It is expected to result in an absent or disrupted protein product. Loss-of-function variants in PNPO are known to be pathogenic (PMID: 15772097, 24645144). This variant is present in population databases (rs775105142, gnomAD 0.02%). This premature translational stop signal has been observed in individual(s) with clinical features of pyridoxal 5'-phosphate-dependent epilepsy (PMID: 28349276, 29588952). ClinVar contains an entry for this variant (Variation ID: 206460). For these reasons, this variant has been classified as Pathogenic.

Blueprint Genetics
Classification: Pathogenic for PNPO-related disorders. Last evaluated: 2019-11-01. Review status: criteria provided, single submitter. Criteria: ACMG Guidelines, 2015. Collection method: clinical testing. Allele origin: germline. Affected: yes. Observed: 1 variant allele.

GeneDx
Classification: Pathogenic. Last evaluated: 2014-11-07. Review status: criteria provided, single submitter. Criteria: GeneDx Variant Classification (06012015). Collection method: clinical testing. Allele origin: germline. Affected: yes.
Comment: c.448_451delCCTG: p.Pro150ArgfsX27 in exon 5 in the PNPO gene (NM_018129.3). The normal sequence with the bases that are deleted in braces is: ACTG{CCTG}AGGA. The c.448_451delCCTG mutation causes a frameshift starting with codon Proline 150, changes this amino acid to a Arginine residue and creates a premature Stop codon at position 27 of the new reading frame, denoted p.Pro150ArgfsX27. This mutation is predicted to cause loss of normal protein function either through protein truncation or nonsense-mediated mRNA decay. The c.448_451delCCTG mutation was not observed in approximately 6,500 individuals of European and African American ancestry in the NHLBI Exome Sequencing Project, indicating it is not a common benign variant in these populations. We interpret c.448_451delCCTG as a disease-causing mutation.

Juno Genomics, Hangzhou Juno Genomics, Inc
Classification: Pathogenic for Pyridoxal phosphate-responsive seizures. Review status: criteria provided, single submitter. Criteria: ACMG Guidelines, 2015. Collection method: clinical testing. Allele origin: germline.
Comment: Absent from controls (or at extremely low frequency if recessive) in Genome Aggregation Database.;Null variant in a gene where loss of function (LOF) is a known mechanism of disease.;For recessive disorders, detected in trans with a pathogenic variant.

Knight Diagnostic Laboratories, Oregon Health and Sciences University
Classification: Likely pathogenic for Pyridoxal 5'-phosphate-dependent epilepsy. Last evaluated: 2015-03-12. Review status: no assertion criteria provided. Criteria: ACMG Guidelines, 2015. Collection method: clinical testing. Allele origin: germline. Inheritance: Autosomal recessive inheritance. Affected: no. Not counted in ClinVar's aggregate classification.

Literature cited by the submitters: PubMed 15772097 (cited by Labcorp Genetics (formerly Invitae), Labcorp); PubMed 24645144 (cited by Labcorp Genetics (formerly Invitae), Labcorp); PubMed 28349276 (cited by Labcorp Genetics (formerly Invitae), Labcorp); PubMed 29588952 (cited by Labcorp Genetics (formerly Invitae), Labcorp).

NM_018129.4(PNPO):c.448_451del (p.Pro150fs)

Gene: PNPO (pyridoxamine 5'-phosphate oxidase; plus strand). Cytogenetic location: 17q21.32.
Variant type: Deletion.
Coding change: c.448_451del on transcript NM_018129.4 (MANE Select); coding-DNA positions 448 to 451, 4 bases deleted (CCTG; older notation c.448_451delCCTG).
Protein change: p.Pro150fs; shifts the reading frame from proline 150.
Molecular consequence: frameshift variant.
Genome position (GRCh38, 1-based): chr17:47,945,891-47,945,894, CCTG deleted; deleting any 4 consecutive bases within chr17:47,945,888-47,945,894 gives the same sequence; the c. name uses the placement nearest the transcript's 3' end. VCF-style (leftmost placement, unchanged base first): chr17-47945887-ACTGC-A. GRCh37 (hg19) VCF-style: chr17-46023253-ACTGC-A.
Other names: c.448_451delCCTG (NM_018129.3); short protein forms P150fs.
Identifiers: ClinVar variation 206460 (VCV000206460.10), dbSNP rs796052872, ClinGen allele CA208971.